The following is an entry in ClinVar:

NM_001009944.3(PKD1):c.5219C>T (p.Ala1740Val)

Gene: PKD1 (polycystin 1, transient receptor potential channel interacting; minus strand). Cytogenetic location: 16p13.3.
Variant type: single nucleotide variant.
Coding change: c.5219C>T on transcript NM_001009944.3 (MANE Select); coding-DNA position 5219, C replaced by T.
Protein change: p.Ala1740Val; replaces alanine 1740 with valine.
Molecular consequence: missense variant.
Genome position (GRCh38, 1-based): chr16:2,109,948, G>A on the plus strand (C>T on the coding strand, the complement: PKD1 is on the minus strand). VCF-style: chr16-2109948-G-A. GRCh37 (hg19) VCF-style: chr16-2159949-G-A.
Other names: c.5219C>T, p.Ala1740Val (NM_000296.4); short protein forms A1740V.
Identifiers: ClinVar variation 2633457 (VCV002633457.1), dbSNP rs2544813911, ClinGen allele CA394377867.

ClinVar aggregate classification (germline): Uncertain significance (1 of 4 stars; one submission).

Conditions:
PKD1-related disorder. Also called: PKD1-related condition.

Submission:

PreventionGenetics, part of Exact Sciences
Classification: Uncertain significance for PKD1-related condition. Last evaluated: 2023-03-08. Review status: criteria provided, single submitter. Criteria: ACMG Guidelines, 2015. Collection method: clinical testing. Allele origin: germline.
Comment: The PKD1 c.5219C>T variant is predicted to result in the amino acid substitution p.Ala1740Val. To our knowledge, this variant has not been reported in the literature or in a large population database, indicating this variant is rare. At this time, the clinical significance of this variant is uncertain due to the absence of conclusive functional and genetic evidence.